The following is an entry in ClinVar:

NM_001042492.3(NF1):c.230A>C (p.Lys77Thr)

Gene: NF1 (neurofibromin 1; plus strand). Cytogenetic location: 17q11.2.
Variant type: single nucleotide variant.
Coding change: c.230A>C on transcript NM_001042492.3 (MANE Select); coding-DNA position 230, A replaced by C.
Protein change: p.Lys77Thr; replaces lysine 77 with threonine.
Molecular consequence: missense variant.
Genome position (GRCh38, 1-based): chr17:31,159,035, A>C. VCF-style: chr17-31159035-A-C. GRCh37 (hg19) VCF-style: chr17-29486053-A-C.
Other names: c.230A>C, p.Lys77Thr (NM_000267.4, NM_001128147.3); short protein forms K77T.
Identifiers: ClinVar variation 1008150 (VCV001008150.5), dbSNP rs2065716657, ClinGen allele CA398989577.
Genomic context (GRCh38, chr17:31,159,035, plus strand): 5'-ACTAACTTTTATGTTCTGAATATCTTTTCTGTTAGAGAATATTTGGAGAAGCTGCTGAAA[A>C]AAATTTATATCTCTCTCAGTTGATTATATTGGATACACTGGAAAAATGTCTTGCTGGGGT-3'
Protein context (NP_001035957.1, residues 67-87): NMRIFGEAAE[Lys77Thr]NLYLSQLIIL

ClinVar aggregate classification (germline): Uncertain significance (1 of 4 stars; one submission).

Conditions:
Neurofibromatosis, type 1 (NF1). Also called: NEUROFIBROMATOSIS, TYPE I, SOMATIC; Peripheral type neurofibromatosis; VON RECKLINGHAUSEN DISEASE; Neurofibromatosis, type I. Identifiers: Orphanet 636, MedGen C0027831, MONDO:0018975, OMIM 162200. Disease mechanism: loss of function.

Submission:

Labcorp Genetics (formerly Invitae), Labcorp
Classification: Uncertain significance for Neurofibromatosis, type 1. Last evaluated: 2020-03-25. Review status: criteria provided, single submitter. Criteria: Invitae Variant Classification Sherloc (09022015). Collection method: clinical testing. Allele origin: germline.
Comment: Algorithms developed to predict the effect of missense changes on protein structure and function (SIFT, PolyPhen-2, Align-GVGD) all suggest that this variant is likely to be tolerated, but these predictions have not been confirmed by published functional studies and their clinical significance is uncertain. In summary, the available evidence is currently insufficient to determine the role of this variant in disease. Therefore, it has been classified as a Variant of Uncertain Significance. This variant is not present in population databases (ExAC no frequency). This variant has not been reported in the literature in individuals with NF1-related conditions. This sequence change replaces lysine with threonine at codon 77 of the NF1 protein (p.Lys77Thr). The lysine residue is highly conserved and there is a moderate physicochemical difference between lysine and threonine.